The following is an entry in ClinVar:

NM_020964.3(EPG5):c.350C>T (p.Ala117Val)

Gene: EPG5 (ectopic P-granules 5 autophagy tethering factor; minus strand). Cytogenetic location: 18q21.1.
Variant type: single nucleotide variant.
Coding change: c.350C>T on transcript NM_020964.3 (MANE Select); coding-DNA position 350, C replaced by T.
Protein change: p.Ala117Val; replaces alanine 117 with valine.
Molecular consequence: missense variant.
Genome position (GRCh38, 1-based): chr18:45,955,052, G>A on the plus strand (C>T on the coding strand, the complement: EPG5 is on the minus strand). VCF-style: chr18-45955052-G-A. GRCh37 (hg19) VCF-style: chr18-43535018-G-A.
Other names: c.350C>T, p.Ala117Val (LRG_1234t1); short protein forms A117V.
Identifiers: ClinVar variation 645531 (VCV000645531.8), dbSNP rs372840001, ClinGen allele CA8949964.

ClinVar aggregate classification (germline): Uncertain significance (1 of 4 stars; one submission).

Conditions:
Vici syndrome (VICIS). Identifiers: Orphanet 1493, MedGen C1855772, MONDO:0009452, OMIM 242840.

Allele frequency attached by ClinVar (database versions not stated): ExAC 0.00005; gnomAD exomes 0.00006 and 0.00025; TOPMed 0.00006; gnomAD 0.00007 and 0.00009; ESP Exome Variant Server 0.00008.
gnomAD v4.1: 378 of 1,614,058 alleles (0.023%); highest among the groups gnomAD compares: Non-Finnish European, 0.031%; no homozygotes.

Submission:

Labcorp Genetics (formerly Invitae), Labcorp
Classification: Uncertain significance for Vici syndrome. Last evaluated: 2024-10-16. Review status: criteria provided, single submitter. Criteria: Invitae Variant Classification Sherloc (09022015). Collection method: clinical testing. Allele origin: germline.
Comment: This sequence change replaces alanine, which is neutral and non-polar, with valine, which is neutral and non-polar, at codon 117 of the EPG5 protein (p.Ala117Val). This variant is present in population databases (rs372840001, gnomAD 0.01%). This variant has not been reported in the literature in individuals affected with EPG5-related conditions. ClinVar contains an entry for this variant (Variation ID: 645531). Invitae Evidence Modeling of protein sequence and biophysical properties (such as structural, functional, and spatial information, amino acid conservation, physicochemical variation, residue mobility, and thermodynamic stability) indicates that this missense variant is not expected to disrupt EPG5 protein function with a negative predictive value of 80%. In summary, the available evidence is currently insufficient to determine the role of this variant in disease. Therefore, it has been classified as a Variant of Uncertain Significance.